The following is an entry in ClinVar:

NM_033238.3(PML):c.1710+1270G>T

Gene: PML (PML nuclear body scaffold; plus strand). Cytogenetic location: 15q24.1.
Variant type: single nucleotide variant.
Coding change: c.1710+1270G>T on transcript NM_033238.3 (MANE Select); 1270 bases into the intron after coding-DNA position 1710, G replaced by T.
Molecular consequence: intron variant. On other transcripts: missense variant (2), 3 prime UTR variant (2).
Genome position (GRCh38, 1-based): chr15:74,035,800, G>T. VCF-style: chr15-74035800-G-T. GRCh37 (hg19) VCF-style: chr15-74328141-G-T.
Other names: c.2339G>T, p.Gly780Val (NM_033239.3); c.*1144G>T (NM_033240.3); c.*664G>T (NM_033244.4); c.2195G>T, p.Gly732Val (NM_033250.3); c.1710+1270G>T (NM_002675.4); c.1566+1270G>T (NM_033249.3); c.*35+1270G>T (NM_033246.3); c.1255-207G>T (NM_033247.3); and 1 more; short protein forms G732V, G780V.
Identifiers: ClinVar variation 403330 (VCV000403330.7), dbSNP rs743581, ClinGen allele CA7652876.
Genomic context (GRCh38, chr15:74,035,800, plus strand): 5'-AGCTTGACATGTCTTCCGTGGTGGGGGCAGGGGAAAGCAGAGCCCAGACTCTTGGAGCAG[G>T]TGTTCCCCCTGGGGACTCTGTCAGAGGCTCCATGGAGGCCTCTCAAGTCCAAGTGCCTCT-3'

ClinVar aggregate classification (germline): Benign. Review status: criteria provided, multiple submitters, no conflicts (2 of 4 stars). 3 submissions from 3 submitters: Benign (2). 1 of the submissions does not count toward it. Last evaluated 2016-03-28.

Conditions:
PML-related disorder. Also called: PML-related condition.

Allele frequency attached by ClinVar (database versions not stated): ESP Exome Variant Server 0.34642; 1000 Genomes Project 30x 0.34994; 1000 Genomes Project 0.35124; TOPMed 0.35489; gnomAD 0.35912 and 0.35923; ExAC 0.35990; gnomAD exomes 0.36316.
gnomAD v4.1: 585,485 of 1,613,738 alleles (36%); highest among the groups gnomAD compares: Admixed American, 44%; 107,662 homozygotes.

Submissions (3):

Laboratory for Molecular Medicine, Mass General Brigham Personalized Medicine
Classification: Benign. Last evaluated: 2016-03-28. Review status: criteria provided, single submitter. Criteria: LMM Criteria. Collection method: clinical testing. Allele origin: germline.
Comment: Variant identified in a genome or exome case(s) and assessed due to predicted null impact of the variant or pathogenic assertions in the literature or databases. Disclaimer: This variant has not undergone full assessment. The following are preliminary notes: Frequency

Breakthrough Genomics
Classification: Benign. Review status: criteria provided, single submitter. Criteria: ACMG Guidelines, 2015. Collection method: not provided. Allele origin: germline. Inheritance: Unknown mechanism. Affected: yes.

PreventionGenetics, part of Exact Sciences
Classification: Benign for PML-related condition. Last evaluated: 2019-10-17. Review status: no assertion criteria provided. Collection method: clinical testing. Allele origin: germline. Not counted in ClinVar's aggregate classification.
Comment: This variant is classified as benign based on ACMG/AMP sequence variant interpretation guidelines (Richards et al. 2015 PMID: 25741868, with internal and published modifications).